The following is an entry in ClinVar:

NM_004444.5(EPHB4):c.764G>A (p.Cys255Tyr)

Gene: EPHB4 (EPH receptor B4; minus strand). Cytogenetic location: 7q22.1.
Variant type: single nucleotide variant.
Coding change: c.764G>A on transcript NM_004444.5 (MANE Select); coding-DNA position 764, G replaced by A.
Protein change: p.Cys255Tyr; replaces cysteine 255 with tyrosine.
Molecular consequence: missense variant.
Genome position (GRCh38, 1-based): chr7:100,822,315, C>T on the plus strand (G>A on the coding strand, the complement: EPHB4 is on the minus strand). VCF-style: chr7-100822315-C-T. GRCh37 (hg19) VCF-style: chr7-100419937-C-T.
Other names: short protein forms C255Y.
Identifiers: ClinVar variation 4993405 (VCV004993405.1).

ClinVar aggregate classification (germline): Uncertain significance (1 of 4 stars; one submission).

Conditions:
EPHB4-related disorder. Also called: EPHB4-related condition; EPHB4-related disorders.

Submission:

PreventionGenetics, part of Exact Sciences
Classification: Uncertain significance for EPHB4-related condition. Last evaluated: 2025-10-03. Review status: criteria provided, single submitter. Criteria: ACMG Guidelines, 2015. Collection method: clinical testing. Allele origin: germline.
Comment: The EPHB4 c.764G>A variant is predicted to result in the amino acid substitution p.Cys255Tyr. To our knowledge, this variant has not been reported in the literature or in a large population database (gnomAD), indicating this variant is rare. At this time, the clinical significance of this variant is uncertain due to the absence of conclusive functional and genetic evidence.